The following is an entry in ClinVar:

NM_016630.7(SPG21):c.862A>G (p.Met288Val)

Gene: SPG21 (SPG21 abhydrolase domain containing, maspardin; minus strand). Cytogenetic location: 15q22.31.
Variant type: single nucleotide variant.
Coding change: c.862A>G on transcript NM_016630.7 (MANE Select); coding-DNA position 862, A replaced by G.
Protein change: p.Met288Val; replaces methionine 288 with valine.
Molecular consequence: missense variant.
Genome position (GRCh38, 1-based): chr15:64,963,685, T>C on the plus strand (A>G on the coding strand, the complement: SPG21 is on the minus strand). VCF-style: chr15-64963685-T-C. GRCh37 (hg19) VCF-style: chr15-65256026-T-C.
Other names: c.862A>G, p.Met288Val (NM_001127889.5); c.781A>G, p.Met261Val (NM_001127890.5); c.862A>G (NM_016630.3); short protein forms M288V, M261V.
Identifiers: ClinVar variation 573515 (VCV000573515.12), dbSNP rs371753104, ClinGen allele CA7612854.

ClinVar aggregate classification (germline): Uncertain significance. Review status: criteria provided, multiple submitters, no conflicts (2 of 4 stars). 4 submissions from 4 submitters: Uncertain significance (4). Last evaluated 2025-02-01.

Conditions:
Hereditary spastic paraplegia. Also called: Familial spastic paraparesis. Identifiers: Orphanet 685, MedGen C0037773, MONDO:0019064. Disease mechanism: loss of function.
Mast syndrome. Also called: SPASTIC PARAPLEGIA 21, AUTOSOMAL RECESSIVE. Identifiers: Orphanet 101001, MedGen C1855346, MONDO:0009568, OMIM 248900.

Allele frequency attached by ClinVar (database versions not stated): gnomAD 0.00005; TOPMed 0.00006; ExAC 0.00007; ESP Exome Variant Server 0.00008; gnomAD exomes 0.00008.
gnomAD v4.1: 153 of 1,614,048 alleles (0.0095%); highest among the groups gnomAD compares: Non-Finnish European, 0.012%; no homozygotes.

Submissions (4):

Ambry Genetics
Classification: Uncertain significance. Last evaluated: 2025-02-01. Review status: criteria provided, single submitter. Criteria: Ambry Variant Classification Scheme 2023. Collection method: clinical testing. Allele origin: germline.

Labcorp Genetics (formerly Invitae), Labcorp
Classification: Uncertain significance for Mast syndrome. Last evaluated: 2022-03-29. Review status: criteria provided, single submitter. Criteria: Invitae Variant Classification Sherloc (09022015). Collection method: clinical testing. Allele origin: germline.
Comment: This sequence change replaces methionine, which is neutral and non-polar, with valine, which is neutral and non-polar, at codon 288 of the SPG21 protein (p.Met288Val). This variant is present in population databases (rs371753104, gnomAD 0.01%). This variant has not been reported in the literature in individuals affected with SPG21-related conditions. ClinVar contains an entry for this variant (Variation ID: 573515). Algorithms developed to predict the effect of missense changes on protein structure and function output the following: SIFT: "Tolerated"; PolyPhen-2: "Benign"; Align-GVGD: "Class C0". The valine amino acid residue is found in multiple mammalian species, which suggests that this missense change does not adversely affect protein function. Algorithms developed to predict the effect of sequence changes on RNA splicing suggest that this variant may create or strengthen a splice site. In summary, the available evidence is currently insufficient to determine the role of this variant in disease. Therefore, it has been classified as a Variant of Uncertain Significance.

GeneDx
Classification: Uncertain significance. Last evaluated: 2019-09-11. Review status: criteria provided, single submitter. Criteria: GeneDx Variant Classification Process June 2021. Collection method: clinical testing. Allele origin: germline. Affected: yes.
Comment: Not observed at a significant frequency in large population cohorts (Lek et al., 2016); In silico analysis, which includes protein predictors and evolutionary conservation, supports that this variant does not alter protein structure/function; Has not been previously published as pathogenic or benign to our knowledge

Genome Diagnostics Laboratory, The Hospital for Sick Children
Classification: Uncertain significance for Hereditary spastic paraplegia. Last evaluated: 2016-12-12. Review status: criteria provided, single submitter. Criteria: ACMG Guidelines, 2015. Collection method: clinical testing. Allele origin: germline. Affected: yes.